The following is an entry in ClinVar:

ClinVar aggregate classification (germline): Uncertain significance (1 of 4 stars; one submission).

Allele frequency attached by ClinVar (database versions not stated): gnomAD exomes below 0.00001.
gnomAD v4.1: 4 of 1,613,996 alleles (0.00025%); highest among the groups gnomAD compares: Non-Finnish European, 0.00034%; no homozygotes.

Submission:

GeneDx
Classification: Uncertain significance. Last evaluated: 2023-05-08. Review status: criteria provided, single submitter. Criteria: GeneDx Variant Classification Process June 2021. Collection method: clinical testing. Allele origin: germline. Affected: yes.
Comment: Not observed at significant frequency in large population cohorts (gnomAD); In silico analysis supports that this missense variant does not alter protein structure/function; Has not been previously published as pathogenic or benign to our knowledge

NM_018896.5(CACNA1G):c.5951T>C (p.Leu1984Pro)

Gene: CACNA1G (calcium voltage-gated channel subunit alpha1 G; plus strand). Cytogenetic location: 17q21.33.
Variant type: single nucleotide variant.
Coding change: c.5951T>C on transcript NM_018896.5 (MANE Select); coding-DNA position 5951, T replaced by C.
Protein change: p.Leu1984Pro; replaces leucine 1984 with proline.
Molecular consequence: missense variant. On other transcripts: intron variant (24).
Genome position (GRCh38, 1-based): chr17:50,621,685, T>C. VCF-style: chr17-50621685-T-C. GRCh37 (hg19) VCF-style: chr17-48699046-T-C.
Other names: c.5918T>C, p.Leu1973Pro (NM_198377.3); c.5738T>C, p.Leu1913Pro (NM_198383.3); c.5849T>C, p.Leu1950Pro (NM_198396.3); c.5803-2222T>C (NM_001256325.2); c.5892+1859T>C (NM_198380.3); c.5749-2222T>C (NM_198378.3, NM_001256334.2); c.5925+1859T>C (NM_198385.3); c.5782-2222T>C (NM_198384.3, NM_001256333.2); and 15 more; short protein forms L1913P, L1950P, L1973P, L1984P.
Identifiers: ClinVar variation 2501573 (VCV002501573.1), dbSNP rs2545823339, ClinGen allele CA400267955.
Genomic context (GRCh38, chr17:50,621,685, plus strand): 5'-GTTTCTCATGCCTGATCATCTCTCTCCCTGTCTAGATCCCTCTAGCTGAGATGGAGGCTC[T>C]GTCTCTGACGTCAGAGATTGTGTCTGAACCGTCCTGCTCTCTAGCTCTGACGGATGACTC-3'
Protein context (NP_061496.2, residues 1974-1994): PQIPLAEMEA[Leu1984Pro]SLTSEIVSEP